The following is an entry in ClinVar:

ClinVar aggregate classification (germline): Benign (3 of 4 stars; one submission).

Conditions:
Breast-ovarian cancer, familial, susceptibility to, 1 (BROVCA1). Also called: BRCA1 Hereditary Breast and Ovarian Cancer; OVARIAN CANCER, SUSCEPTIBILITY TO. Identifiers: Orphanet 145, MedGen C2676676, MONDO:0011450, OMIM 604370. Disease mechanism: loss of function.

Allele frequency attached by ClinVar (database versions not stated): 1000 Genomes Project 30x 0.00656; gnomAD 0.00949 and 0.00892; TOPMed 0.01014; 1000 Genomes Project 0.00659.
gnomAD v4.1: 1,440 of 152,090 alleles (0.95%); highest among the groups gnomAD compares: Middle Eastern, 4.1%; 16 homozygotes.

Submission:

Evidence-based Network for the Interpretation of Germline Mutant Alleles (ENIGMA)
Classification: Benign for Breast-ovarian cancer, familial, susceptibility to, 1. Last evaluated: 2016-09-28. Review status: reviewed by expert panel. Criteria: ENIGMA BRCA1/2 Classification Criteria (2015). Collection method: curation. Allele origin: germline.
Comment: Class 1 not pathogenic based on frequency >1% in an outbred sampleset. Frequency 0.0174 (South Asian), derived from 1000 genomes (2013-05-02).

NM_007294.4(BRCA1):c.4185+2981A>G

Gene: BRCA1 (BRCA1 DNA repair associated; minus strand). Cytogenetic location: 17q21.31.
Variant type: single nucleotide variant.
Coding change: c.4185+2981A>G on transcript NM_007294.4 (MANE Select); 2981 bases into the intron after coding-DNA position 4185, A replaced by G.
Molecular consequence: intron variant.
Genome position (GRCh38, 1-based): chr17:43,087,963, T>C on the plus strand (A>G on the coding strand, the complement: BRCA1 is on the minus strand). VCF-style: chr17-43087963-T-C. GRCh37 (hg19) VCF-style: chr17-41239980-T-C.
Other names: c.4041+2981A>G (NM_001407847.1, NM_001407740.1, NM_001407841.1 and 20 more transcripts); c.612+2981A>G (NM_001408499.1, NM_001408498.1, NM_001408501.1 and 3 more transcripts); c.3921+2981A>G (NM_001407933.1, NM_001407927.1, NM_001407923.1 and 9 more transcripts); c.4044+2981A>G (NM_001407739.1, NM_001407725.1, NM_001407727.1 and 29 more transcripts); c.759+2981A>G (NM_001408422.1, NM_001408418.1, NM_001408423.1 and 2 more transcripts); c.3972+2981A>G (NM_001407896.1, NM_001407571.1, NM_001407917.1 and 9 more transcripts); c.3975+2981A>G (NM_001407900.1, NM_001407907.1, NM_001407879.1 and 13 more transcripts); c.3852+2981A>G (NM_001407952.1, NM_001407950.1, NM_001407948.1 and 6 more transcripts); and 41 more.
Identifiers: ClinVar variation 264826 (VCV000264826.2), dbSNP rs8176167, ClinGen allele CA10588225.